The following is an entry in ClinVar:

NM_000327.4(ROM1):c.288G>T (p.Trp96Cys)

Gene: ROM1 (retinal outer segment membrane protein 1; plus strand). Cytogenetic location: 11q12.3.
Variant type: single nucleotide variant.
Coding change: c.288G>T on transcript NM_000327.4 (MANE Select); coding-DNA position 288, G replaced by T.
Protein change: p.Trp96Cys; replaces tryptophan 96 with cysteine.
Molecular consequence: missense variant.
Genome position (GRCh38, 1-based): chr11:62,613,569, G>T. VCF-style: chr11-62613569-G-T. GRCh37 (hg19) VCF-style: chr11-62381041-G-T.
Other names: short protein forms W96C.
Identifiers: ClinVar variation 3641333 (VCV003641333.2).
Genomic context (GRCh38, chr11:62,613,569, plus strand): 5'-AGGACTAGTGGGTGTAGGAGCCAGCCGGGCAAGTCTGAATGCAGCTCTATACCCTCCCTG[G>T]CGAGGGGTCCTGGGCCCGCTGCTGGTGGCTGGCACGGCTGGTGGGGGGGGGCTCCTGGTC-3'
Protein context (NP_000318.2, residues 86-106): ASLNAALYPP[Trp96Cys]RGVLGPLLVA

ClinVar aggregate classification (germline): Uncertain significance (1 of 4 stars; one submission).

Submission:

Labcorp Genetics (formerly Invitae), Labcorp
Classification: Uncertain significance. Last evaluated: 2024-02-16. Review status: criteria provided, single submitter. Criteria: Invitae Variant Classification Sherloc (09022015). Collection method: clinical testing. Allele origin: germline.
Comment: This sequence change replaces tryptophan, which is neutral and slightly polar, with cysteine, which is neutral and slightly polar, at codon 96 of the ROM1 protein (p.Trp96Cys). This variant is not present in population databases (gnomAD no frequency). This variant has not been reported in the literature in individuals affected with ROM1-related conditions. Advanced modeling of protein sequence and biophysical properties (such as structural, functional, and spatial information, amino acid conservation, physicochemical variation, residue mobility, and thermodynamic stability) performed at Invitae indicates that this missense variant is not expected to disrupt ROM1 protein function with a negative predictive value of 80%. In summary, the available evidence is currently insufficient to determine the role of this variant in disease. Therefore, it has been classified as a Variant of Uncertain Significance.